The following is an entry in ClinVar:

NM_021224.6(ZNF462):c.6063C>T (p.Arg2021=)

Gene: ZNF462 (zinc finger protein 462; plus strand). Cytogenetic location: 9q31.2.
Variant type: single nucleotide variant.
Coding change: c.6063C>T on transcript NM_021224.6 (MANE Select); coding-DNA position 6063, C replaced by T.
Protein change: p.Arg2021=; no amino-acid change (arginine 2021 retained).
Molecular consequence: synonymous variant.
Genome position (GRCh38, 1-based): chr9:106,932,496, C>T. VCF-style: chr9-106932496-C-T. GRCh37 (hg19) VCF-style: chr9-109694777-C-T.
Other names: c.3468C>T, p.Arg1156= (NM_001347997.2).
Identifiers: ClinVar variation 2659392 (VCV002659392.24), dbSNP rs376720857, ClinGen allele CA5172142.

ClinVar aggregate classification (germline): Likely benign (1 of 4 stars; one submission).

Allele frequency attached by ClinVar (database versions not stated): ExAC 0.00004; ESP Exome Variant Server 0.00008; 1000 Genomes Project 30x 0.00016; 1000 Genomes Project 0.00020.
gnomAD v4.1: 70 of 1,614,212 alleles (0.0043%); highest among the groups gnomAD compares: African/African-American, 0.025%; no homozygotes.

Submission:

CeGaT Center for Human Genetics Tuebingen
Classification: Likely benign. Last evaluated: 2023-03-01. Review status: criteria provided, single submitter. Criteria: CeGaT Center For Human Genetics Tuebingen Variant Classification Criteria Version 2. Collection method: clinical testing. Allele origin: germline. Affected: yes. Observed: 1 variant allele.
Comment: ZNF462: BP4, BP7